The following is an entry in ClinVar:

ClinVar aggregate classification (germline): Pathogenic (1 of 4 stars; one submission).

Conditions:
Hereditary cancer-predisposing syndrome. Also called: Neoplastic Syndromes, Hereditary; Tumor predisposition; Hereditary Cancer Syndrome; Hereditary neoplastic syndrome. Identifiers: Orphanet 140162, MedGen C0027672, MeSH D009386, MONDO:0015356.

Submission:

Ambry Genetics
Classification: Pathogenic for Hereditary cancer-predisposing syndrome. Last evaluated: 2025-08-12. Review status: criteria provided, single submitter. Criteria: Ambry Variant Classification Scheme 2023. Collection method: clinical testing. Allele origin: germline.
Comment: The c.4209_4216dupCATTTTAG pathogenic mutation, located in coding exon 27 of the ATM gene, results from a duplication of CATTTTAG at nucleotide position 4209, causing a translational frameshift with a predicted alternate stop codon (p.E1406Afs*3). This variant is considered to be rare based on population cohorts in the Genome Aggregation Database (gnomAD). This alteration is expected to result in loss of function by premature protein truncation or nonsense-mediated mRNA decay. As such, this alteration is interpreted as a disease-causing mutation.

NM_000051.4(ATM):c.4209_4216dup (p.Glu1406delinsAlaPheTer)

Gene: ATM (ATM serine/threonine kinase; plus strand). Cytogenetic location: 11q22.3.
Variant type: Duplication.
Coding change: c.4209_4216dup on transcript NM_000051.4 (MANE Select); coding-DNA positions 4209 to 4216, 8 bases duplicated (CATTTTAG; older notation c.4209_4216dupCATTTTAG).
Protein change: p.Glu1406delinsAlaPheTer.
Molecular consequence: nonsense. On other transcripts: frameshift variant (1).
Genome position (GRCh38, 1-based): chr11:108,289,076-108,289,083, CATTTTAG duplicated; duplicating any 8 consecutive bases within chr11:108,289,074-108,289,083 gives the same sequence; the c. name uses the placement nearest the transcript's 3' end. VCF-style (leftmost placement, unchanged base first): chr11-108289073-A-AAGCATTTT. GRCh37 (hg19) VCF-style: chr11-108159800-A-AAGCATTTT.
Other names: c.4209_4216dup, p.Glu1406delinsAlaPheTer (NM_001351834.2); c.4209_4216dupCATTTTAG (NM_000051.3).
Identifiers: ClinVar variation 4169887 (VCV004169887.1).